The following is an entry in ClinVar:

NM_000487.6(ARSA):c.209T>C (p.Leu70Pro)

Gene: ARSA (arylsulfatase A; minus strand). Cytogenetic location: 22q13.33.
Variant type: single nucleotide variant.
Coding change: c.209T>C on transcript NM_000487.6 (MANE Select); coding-DNA position 209, T replaced by C.
Protein change: p.Leu70Pro; replaces leucine 70 with proline.
Molecular consequence: missense variant. On other transcripts: intron variant (2).
Genome position (GRCh38, 1-based): chr22:50,627,571, A>G on the plus strand (T>C on the coding strand, the complement: ARSA is on the minus strand). VCF-style: chr22-50627571-A-G. GRCh37 (hg19) VCF-style: chr22-51065999-A-G.
Other names: c.209T>C, p.Leu70Pro (NM_001085425.3, NM_001085426.3, NM_001085427.3); c.-34-165T>C (NM_001362782.2, NM_001085428.3); short protein forms L70P.
Identifiers: ClinVar variation 68124 (VCV000068124.5), dbSNP rs199476351, ClinGen allele CA219004.

ClinVar aggregate classification (germline): Pathogenic/Likely pathogenic. Review status: criteria provided, multiple submitters, no conflicts (2 of 4 stars). 3 submissions from 3 submitters: Pathogenic (1); Likely pathogenic (1). 1 of the submissions does not count toward it. Last evaluated 2024-06-11.

Conditions:
Metachromatic leukodystrophy (MLD). Also called: ARSA DEFICIENCY; CEREBROSIDE SULFATASE DEFICIENCY; METACHROMATIC LEUKOENCEPHALOPATHY; Cerebral sclerosis diffuse metachromatic form; Arylsulfatase A Deficiency; SULFATIDE LIPIDOSIS. Identifiers: Orphanet 512, MedGen C0023522, MONDO:0018868, OMIM 250100.

Allele frequency attached by ClinVar (database versions not stated): gnomAD exomes below 0.00001.

Submissions (3):

Women's Health and Genetics/Laboratory Corporation of America, LabCorp
Classification: Likely pathogenic for Metachromatic leukodystrophy. Last evaluated: 2024-06-11. Review status: criteria provided, single submitter. Criteria: LabCorp Variant Classification Summary - May 2015. Collection method: clinical testing. Allele origin: germline.
Comment: Variant summary: ARSA c.209T>C (p.Leu70Pro) results in a non-conservative amino acid change in the encoded protein sequence. Four of four in-silico tools predict a damaging effect of the variant on protein function. The frequency data for this variant in gnomAD is considered unreliable, as metrics indicate poor data quality at this position. c.209T>C has been reported in the literature in individuals affected with Metachromatic Leukodystrophy who had significantly reduced enzyme activity (examples: Gort_1999 and Miura_2010). These data indicate that the variant may be associated with disease. The following publications have been ascertained in the context of this evaluation (PMID: 22798296, 10477432). ClinVar contains an entry for this variant (Variation ID: 68124). Based on the evidence outlined above, the variant was classified as likely pathogenic.

Labcorp Genetics (formerly Invitae), Labcorp
Classification: Pathogenic for Metachromatic leukodystrophy. Last evaluated: 2023-02-06. Review status: criteria provided, single submitter. Criteria: Invitae Variant Classification Sherloc (09022015). Collection method: clinical testing. Allele origin: germline.
Comment: ClinVar contains an entry for this variant (Variation ID: 68124). For these reasons, this variant has been classified as Pathogenic. Advanced modeling of protein sequence and biophysical properties (such as structural, functional, and spatial information, amino acid conservation, physicochemical variation, residue mobility, and thermodynamic stability) performed at Invitae indicates that this missense variant is expected to disrupt ARSA protein function. This variant is also known as L68P. This missense change has been observed in individual(s) with metachromatic leukodystrophy (PMID: 10477432). This variant is not present in population databases (gnomAD no frequency). This sequence change replaces leucine, which is neutral and non-polar, with proline, which is neutral and non-polar, at codon 70 of the ARSA protein (p.Leu70Pro).

UniProtKB/Swiss-Prot
No classification provided. Review status: no classification provided. Collection method: not provided. Allele origin: not provided. Not counted in ClinVar's aggregate classification.

Literature cited by the submitters: PubMed 10477432 (cited by Women's Health and Genetics/Laboratory Corporation of America, LabCorp and Labcorp Genetics (formerly Invitae), Labcorp); PubMed 22798296 (cited by Women's Health and Genetics/Laboratory Corporation of America, LabCorp).